The following is an entry in ClinVar:

NM_001142864.4(PIEZO1):c.4955+8C>T

Gene: PIEZO1 (piezo type mechanosensitive ion channel component 1 (Er blood group); minus strand). Cytogenetic location: 16q24.3.
Variant type: single nucleotide variant.
Coding change: c.4955+8C>T on transcript NM_001142864.4 (MANE Select); 8 bases into the intron after coding-DNA position 4955, C replaced by T.
Molecular consequence: intron variant.
Genome position (GRCh38, 1-based): chr16:88,722,210, G>A on the plus strand (C>T on the coding strand, the complement: PIEZO1 is on the minus strand). VCF-style: chr16-88722210-G-A. GRCh37 (hg19) VCF-style: chr16-88788618-G-A.
Other names: p.?; c.4955+8C>T (NM_001142864.3).
Identifiers: ClinVar variation 1206303 (VCV001206303.40), dbSNP rs533263001, ClinGen allele CA8232000.

ClinVar aggregate classification (germline): Benign/Likely benign. Review status: criteria provided, multiple submitters, no conflicts (2 of 4 stars). 9 submissions from 9 submitters: Benign (1); Likely benign (5). 3 of the submissions do not count toward it. Last evaluated 2026-05-01.

Conditions:
PIEZO1-related disorder. Also called: PIEZO1-related condition; PIEZO1-Related Disorders.

Allele frequency attached by ClinVar (database versions not stated): gnomAD exomes 0.00024; ExAC 0.00027; gnomAD 0.00058; TOPMed 0.00079; 1000 Genomes Project 0.00120; 1000 Genomes Project 30x 0.00141.
gnomAD v4.1: 294 of 1,544,076 alleles (0.019%); highest among the groups gnomAD compares: Middle Eastern, 0.21%; 1 homozygote.

Submissions (9):

CeGaT Center for Human Genetics Tuebingen
Classification: Likely benign. Last evaluated: 2026-05-01. Review status: criteria provided, single submitter. Criteria: CeGaT Center For Human Genetics Tuebingen Variant Classification Criteria Version 2. Collection method: clinical testing. Allele origin: germline. Affected: yes. Observed: 2 variant alleles.
Comment: PIEZO1: BP4, BS2

Mayo Clinic Laboratories, Mayo Clinic
Classification: Likely benign. Last evaluated: 2025-10-28. Review status: criteria provided, single submitter. Criteria: ACMG Guidelines, 2015. Collection method: clinical testing. Allele origin: germline. Observed: 3 variant alleles.
Comment: BP4, BP7

Labcorp Genetics (formerly Invitae), Labcorp
Classification: Likely benign. Last evaluated: 2025-10-02. Review status: criteria provided, single submitter. Criteria: Invitae Variant Classification Sherloc (09022015). Collection method: clinical testing. Allele origin: germline.

Blueprint Genetics
Classification: Likely benign. Last evaluated: 2024-11-12. Review status: criteria provided, single submitter. Criteria: ACMG Guidelines, 2015. Collection method: clinical testing. Allele origin: germline.

ARUP Laboratories, Molecular Genetics and Genomics, ARUP Laboratories
Classification: Benign. Last evaluated: 2021-04-16. Review status: criteria provided, single submitter. Criteria: ARUP Molecular Germline Variant Investigation Process 2021. Collection method: clinical testing. Allele origin: germline.

Breakthrough Genomics
Classification: Likely benign. Review status: criteria provided, single submitter. Criteria: ACMG Guidelines, 2015. Collection method: not provided. Allele origin: germline. Inheritance: Autosomal recessive inheritance. Affected: yes.

PreventionGenetics, part of Exact Sciences
Classification: Likely benign for PIEZO1-related condition. Last evaluated: 2022-01-03. Review status: no assertion criteria provided. Collection method: clinical testing. Allele origin: germline. Not counted in ClinVar's aggregate classification.
Comment: This variant is classified as likely benign based on ACMG/AMP sequence variant interpretation guidelines (Richards et al. 2015 PMID: 25741868, with internal and published modifications).

Clinical Genetics DNA and cytogenetics Diagnostics Lab, Erasmus MC, Erasmus Medical Center
Classification: Likely benign. Review status: no assertion criteria provided. Collection method: clinical testing. Allele origin: germline. Affected: yes. Study: VKGL Data-share Consensus. Not counted in ClinVar's aggregate classification.

Laboratory of Diagnostic Genome Analysis, Leiden University Medical Center (LUMC)
Classification: Likely benign. Review status: no assertion criteria provided. Collection method: clinical testing. Allele origin: germline. Affected: yes. Study: VKGL Data-share Consensus. Not counted in ClinVar's aggregate classification.